The following is an entry in ClinVar:

NM_001159699.2(FHL1):c.737-14T>C

Gene: FHL1 (four and a half LIM domains 1; plus strand). Cytogenetic location: Xq26.3.
Variant type: single nucleotide variant.
Coding change: c.737-14T>C on transcript NM_001159699.2 (MANE Select); 14 bases into the intron before coding-DNA position 737, T replaced by C.
Molecular consequence: intron variant.
Genome position (GRCh38, 1-based): chrX:136,209,857, T>C. VCF-style: chrX-136209857-T-C. GRCh37 (hg19) VCF-style: chrX-135292016-T-C.
Other names: c.889-14T>C (NM_001159702.3, NM_001369326.1, NM_001369327.2 and 1 more transcripts); c.689-14T>C (NM_001449.5, NM_001369329.1, NM_001369330.1 and 4 more transcripts); c.502-14T>C (NM_001159703.2); c.776-14T>C (NM_001159701.2); c.550-14T>C (NM_001330659.2).
Identifiers: ClinVar variation 512599 (VCV000512599.5), dbSNP rs769912263, ClinGen allele CA10525108.

ClinVar aggregate classification (germline): Likely benign. Review status: criteria provided, multiple submitters, no conflicts (2 of 4 stars). 3 submissions from 3 submitters: Likely benign (3). Last evaluated 2025-05-19.

Conditions:
X-linked myopathy with postural muscle atrophy. Also called: FHL1-Related Emery-Dreifuss Muscular Dystrophy, X-Linked. Identifiers: Orphanet 178461, MedGen C2678055, MONDO:0010401, OMIM 300696.

Allele frequency attached by ClinVar (database versions not stated): ExAC below 0.00001; gnomAD exomes below 0.00001 and 0.00001; gnomAD 0.00001.
gnomAD v4.1: 5 of 1,204,646 alleles (0.00042%); highest among the groups gnomAD compares: Non-Finnish European, 0.00056%; no homozygotes.

Submissions (3):

Labcorp Genetics (formerly Invitae), Labcorp
Classification: Likely benign for X-linked myopathy with postural muscle atrophy. Last evaluated: 2025-05-19. Review status: criteria provided, single submitter. Criteria: Invitae Variant Classification Sherloc (09022015). Collection method: clinical testing. Allele origin: germline.

Blueprint Genetics
Classification: Likely benign. Last evaluated: 2023-10-05. Review status: criteria provided, single submitter. Criteria: ACMG Guidelines, 2015. Collection method: clinical testing. Allele origin: germline.

GeneDx
Classification: Likely benign. Last evaluated: 2017-10-09. Review status: criteria provided, single submitter. Criteria: GeneDx Variant Classification (06012015). Collection method: clinical testing. Allele origin: germline. Affected: yes.
Comment: This variant is considered likely benign or benign based on one or more of the following criteria: it is a conservative change, it occurs at a poorly conserved position in the protein, it is predicted to be benign by multiple in silico algorithms, and/or has population frequency not consistent with disease.